The following is an entry in ClinVar:

NM_182961.4(SYNE1):c.17850+53C>A

Gene: SYNE1 (spectrin repeat containing nuclear envelope protein 1; minus strand). Cytogenetic location: 6q25.2.
Variant type: single nucleotide variant.
Coding change: c.17850+53C>A on transcript NM_182961.4 (MANE Select); 53 bases into the intron after coding-DNA position 17850, C replaced by A.
Molecular consequence: intron variant.
Genome position (GRCh38, 1-based): chr6:152,293,907, G>T on the plus strand (C>A on the coding strand, the complement: SYNE1 is on the minus strand). VCF-style: chr6-152293907-G-T. GRCh37 (hg19) VCF-style: chr6-152615042-G-T.
Other names: c.17637+53C>A (NM_033071.5).
Identifiers: ClinVar variation 672753 (VCV000672753.1), dbSNP rs73007780, ClinGen allele CA12406386.

ClinVar aggregate classification (germline): Benign (1 of 4 stars; one submission).

Allele frequency attached by ClinVar (database versions not stated): TOPMed 0.03974; gnomAD 0.04154 and 0.04240; 1000 Genomes Project 30x 0.04716; 1000 Genomes Project 0.04732.
gnomAD v4.1: 82,930 of 1,612,268 alleles (5.1%); highest among the groups gnomAD compares: East Asian, 7.8%; 2,332 homozygotes.

Submission:

GeneDx
Classification: Benign. Last evaluated: 2018-06-16. Review status: criteria provided, single submitter. Criteria: GeneDx Variant Classification (06012015). Collection method: clinical testing. Allele origin: germline. Affected: yes.
Comment: This variant is considered likely benign or benign based on one or more of the following criteria: it is a conservative change, it occurs at a poorly conserved position in the protein, it is predicted to be benign by multiple in silico algorithms, and/or has population frequency not consistent with disease.